The following is an entry in ClinVar:

NM_001303.4(COX10):c.1A>G (p.Met1Val)

Genes: COX10 (cytochrome c oxidase assembly factor heme A:farnesyltransferase COX10; plus strand), LOC130060303 (ATAC-STARR-seq lymphoblastoid active region 11742; plus strand). Cytogenetic location: 17p12.
Variant type: single nucleotide variant.
Coding change: c.1A>G on transcript NM_001303.4 (MANE Select); coding-DNA position 1, A replaced by G.
Protein change: p.Met1Val; changes the start codon (methionine 1).
Molecular consequence: missense variant, initiator codon variant.
Genome position (GRCh38, 1-based): chr17:14,069,606, A>G. VCF-style: chr17-14069606-A-G. GRCh37 (hg19) VCF-style: chr17-13972923-A-G.
Other names: short protein forms M1V.
Identifiers: ClinVar variation 4884190 (VCV004884190.2).

ClinVar aggregate classification (germline): Likely pathogenic (1 of 4 stars; one submission).

Submission:

Dasa
Classification: Likely pathogenic. Last evaluated: 2025-09-04. Review status: criteria provided, single submitter. Criteria: DASA Assertion Criteria. Collection method: clinical testing. Allele origin: germline.
Comment: NM_001303.4(COX10):c.1A>G (p.Met1?) is a start-loss variant predicted to alter the translation initiation codon and impair normal protein translation. Loss of function is an established disease mechanism for COX10-associated disorders. Published studies describe this variant in association with related phenotype (PMID: 5455402). Also, this variant is absent from population databases. Based on the currently available evidence, this variant is classified as likely pathogenic.

Literature cited by the submitters: PubMed 5455402.